The following is an entry in ClinVar:

NM_007294.4(BRCA1):c.4816A>G (p.Lys1606Glu)

Gene: BRCA1 (BRCA1 DNA repair associated; minus strand). Cytogenetic location: 17q21.31.
Variant type: single nucleotide variant.
Coding change: c.4816A>G on transcript NM_007294.4 (MANE Select); coding-DNA position 4816, A replaced by G.
Protein change: p.Lys1606Glu; replaces lysine 1606 with glutamic acid.
Molecular consequence: missense variant. On other transcripts: non-coding transcript variant (1).
Genome position (GRCh38, 1-based): chr17:43,071,098, T>C on the plus strand (A>G on the coding strand, the complement: BRCA1 is on the minus strand). VCF-style: chr17-43071098-T-C. GRCh37 (hg19) VCF-style: chr17-41223115-T-C.
Other names: 4935A>G; c.4807A>G, p.Lys1603Glu (NM_001407645.1, NM_001407644.1); c.4804A>G, p.Lys1602Glu (NM_001407646.1); c.4801A>G, p.Lys1601Glu (NM_001407647.1); c.4759A>G, p.Lys1587Glu (NM_001407648.1); c.4756A>G, p.Lys1586Glu (NM_001407649.1); c.4816A>G, p.Lys1606Glu (NM_001407652.1, NM_001407684.1, NM_001407854.1 and 8 more transcripts); c.4738A>G, p.Lys1580Glu (NM_001407653.1, NM_001407654.1, NM_001407655.1); and 71 more; short protein forms K1606E, K502E, K1627E, K1559E, K1452E, K1493E, K1495E, K1516E.
Identifiers: ClinVar variation 37612 (VCV000037612.41), dbSNP rs80356943, ClinGen allele CA003037.

ClinVar aggregate classification (germline): Benign. Review status: reviewed by expert panel (3 of 4 stars). 18 submissions from 18 submitters: Benign (1). 17 of the submissions do not count toward it. Last evaluated 2019-06-18.

Conditions:
BRCA1-related disorder. Also called: BRCA1-related condition.
Breast and/or ovarian cancer. Identifiers: MedGen CN221562.
Hereditary cancer-predisposing syndrome. Also called: Tumor predisposition; Neoplastic Syndromes, Hereditary; Hereditary Cancer Syndrome; Hereditary neoplastic syndrome. Identifiers: Orphanet 140162, MedGen C0027672, MeSH D009386, MONDO:0015356.
Hereditary breast ovarian cancer syndrome. Also called: Hereditary breast and ovarian cancer syndrome (HBOC); Hereditary breast and ovarian cancer syndrome; Hereditary breast and ovarian cancer; Hereditary breast and/or ovarian cancer syndrome; Breast and ovarian cancer; BRCA1- and BRCA2-Associated Hereditary Breast and Ovarian Cancer. Identifiers: Orphanet 145, MedGen C0677776, MeSH D061325, MONDO:0003582. Disease mechanism: loss of function.
Breast-ovarian cancer, familial, susceptibility to, 1 (BROVCA1). Also called: OVARIAN CANCER, SUSCEPTIBILITY TO; BRCA1 Hereditary Breast and Ovarian Cancer. Identifiers: Orphanet 145, MedGen C2676676, MONDO:0011450, OMIM 604370. Disease mechanism: loss of function.

Allele frequency attached by ClinVar (database versions not stated): gnomAD 0.00001 and 0.00002; ExAC 0.00002; TOPMed 0.00002; gnomAD exomes 0.00003.
gnomAD v4.1: 50 of 1,613,986 alleles (0.0031%); highest among the groups gnomAD compares: Non-Finnish European, 0.0038%; no homozygotes.

Submissions (18):

Evidence-based Network for the Interpretation of Germline Mutant Alleles (ENIGMA)
Classification: Benign for Breast-ovarian cancer, familial, susceptibility to, 1. Last evaluated: 2019-06-18. Review status: reviewed by expert panel. Criteria: ENIGMA BRCA1/2 Classification Criteria (2017-06-29). Collection method: curation. Allele origin: germline.
Comment: IARC class based on posterior probability from multifactorial likelihood analysis, thresholds for class as per Plon et al. 2008 (PMID: 18951446). Class 1 based on posterior probability = 0.000266

Labcorp Genetics (formerly Invitae), Labcorp
Classification: Benign for Hereditary breast ovarian cancer syndrome. Last evaluated: 2026-01-25. Review status: criteria provided, single submitter. Criteria: Invitae Variant Classification Sherloc (09022015). Collection method: clinical testing. Allele origin: germline. Not counted in ClinVar's aggregate classification.

GeneKor MSA
Classification: Benign for Hereditary breast ovarian cancer syndrome. Last evaluated: 2025-07-10. Review status: criteria provided, single submitter. Criteria: ACMG Guidelines, 2015. Collection method: clinical testing. Allele origin: germline. Not counted in ClinVar's aggregate classification.

Blueprint Genetics
Classification: Likely benign. Last evaluated: 2024-10-18. Review status: criteria provided, single submitter. Criteria: ACMG Guidelines, 2015. Collection method: clinical testing. Allele origin: germline. Not counted in ClinVar's aggregate classification.

Quest Diagnostics Nichols Institute San Juan Capistrano
Classification: Likely benign. Last evaluated: 2024-07-01. Review status: criteria provided, single submitter. Criteria: Quest Diagnostics criteria. Collection method: clinical testing. Allele origin: unknown. Not counted in ClinVar's aggregate classification.

Women's Health and Genetics/Laboratory Corporation of America, LabCorp
Classification: Likely benign. Last evaluated: 2024-02-09. Review status: criteria provided, single submitter. Criteria: LabCorp Variant Classification Summary - May 2015. Collection method: clinical testing. Allele origin: germline. Not counted in ClinVar's aggregate classification.
Comment: Variant summary: BRCA1 c.4816A>G (p.Lys1606Glu) results in a conservative amino acid change in the encoded protein sequence. Five of five in-silico tools predict a benign effect of the variant on protein function. The variant allele was found at a frequency of 3.1e-05 in 1613986 control chromosomes (gnomAD v4.0.0). This frequency is not significantly higher than estimated for a pathogenic variant in BRCA1 causing Hereditary Breast And Ovarian Cancer Syndrome (3.1e-05 vs 0.001), allowing no conclusion about variant significance. c.4816A>G has been reported in the literature in individuals affected with Hereditary Breast and Ovarian Cancer (Fitzgerald_1996, Judkins_2005, Simard_2007). These reports do not provide unequivocal conclusions about association of the variant with Hereditary Breast and Ovarian Cancer. Two independent publications spanning a decade report experimental evidence evaluating an impact on protein function, both of which demonstrate no functional impact of this variant on measures of yeast small colony phenotype assay (Coyne 2004) and a transcriptional activation assay coupled to a Bayesian hierarchical model that estimated the likelihood of pathogenicity (Woods, 2016). The following publications have been ascertained in the context of this evaluation (PMID: 15004537, 8531968, 16267036, 26206375, 15385441, 16905680, 28781887). ClinVar contains an entry for this variant (Variation ID: 37612). Based on the evidence outlined above, the variant was classified as likely benign.

CHEO Genetics Diagnostic Laboratory, Children's Hospital of Eastern Ontario
Classification: Likely benign for Breast and/or ovarian cancer. Last evaluated: 2023-06-05. Review status: criteria provided, single submitter. Criteria: ACMG Guidelines, 2015. Collection method: clinical testing. Allele origin: germline. Not counted in ClinVar's aggregate classification.

Ambry Genetics
Classification: Likely benign for Hereditary cancer-predisposing syndrome. Last evaluated: 2021-05-10. Review status: criteria provided, single submitter. Criteria: Ambry Variant Classification Scheme 2023. Collection method: clinical testing. Allele origin: germline. Not counted in ClinVar's aggregate classification.

Sema4
Classification: Likely benign for Hereditary cancer-predisposing syndrome. Last evaluated: 2021-02-01. Review status: criteria provided, single submitter. Criteria: Sema4 Curation Guidelines. Collection method: curation. Allele origin: germline. Not counted in ClinVar's aggregate classification.

GeneDx
Classification: Likely benign. Last evaluated: 2020-10-20. Review status: criteria provided, single submitter. Criteria: GeneDx Variant Classification Process June 2021. Collection method: clinical testing. Allele origin: germline. Affected: yes. Not counted in ClinVar's aggregate classification.
Comment: This variant is associated with the following publications: (PMID: 30765603, 32546644, 28781887, 16267036, 8531968, 15004537, 16905680, 31131967)

Mendelics
Classification: Benign for Breast-ovarian cancer, familial, susceptibility to, 1. Last evaluated: 2019-05-28. Review status: criteria provided, single submitter. Criteria: Mendelics Assertion Criteria 2017. Collection method: clinical testing. Allele origin: unknown. Not counted in ClinVar's aggregate classification.

Color Diagnostics, LLC DBA Color Health
Classification: Likely benign for Hereditary cancer-predisposing syndrome. Last evaluated: 2017-03-22. Review status: criteria provided, single submitter. Criteria: ACMG Guidelines, 2015. Collection method: clinical testing. Allele origin: germline. Not counted in ClinVar's aggregate classification.

PreventionGenetics, part of Exact Sciences
Classification: Likely benign for BRCA1-related condition. Last evaluated: 2022-10-12. Review status: no assertion criteria provided. Collection method: clinical testing. Allele origin: germline. Not counted in ClinVar's aggregate classification.
Comment: This variant is classified as likely benign based on ACMG/AMP sequence variant interpretation guidelines (Richards et al. 2015 PMID: 25741868, with internal and published modifications).

Counsyl
Classification: Uncertain significance for Breast-ovarian cancer, familial, susceptibility to, 1. Last evaluated: 2017-12-20. Review status: no assertion criteria provided. Collection method: clinical testing. Allele origin: unknown. Not counted in ClinVar's aggregate classification.

Sharing Clinical Reports Project (SCRP)
Classification: Likely benign for Breast-ovarian cancer, familial 1. Last evaluated: 2012-05-01. Review status: no assertion criteria provided. Collection method: clinical testing. Allele origin: germline. Not counted in ClinVar's aggregate classification.

Breast Cancer Information Core (BIC) (BRCA1)
Classification: Uncertain significance for Breast-ovarian cancer, familial 1. Last evaluated: 2002-05-29. Review status: no assertion criteria provided. Collection method: clinical testing. Allele origin: germline. Affected: yes. Observed: 8 variant alleles. Not counted in ClinVar's aggregate classification.

Department of Pathology and Laboratory Medicine, Sinai Health System
Classification: Uncertain significance for Breast-ovarian cancer, familial, susceptibility to, 1. Review status: no assertion criteria provided. Collection method: clinical testing. Allele origin: unknown. Affected: yes. Observed: 4 variant alleles. Study: The Canadian Open Genetics Repository (COGR). Not counted in ClinVar's aggregate classification.
Comment: The BRCA1 p.Lys1606Glu variant was identified in at least 9 of 111320 proband chromosomes from individuals with breast cancer or who were referred for BRCA1 screening (Fitzgerald 1996, Judkins 2005); however, control chromosomes were not evaluated in these studies, thus the prevalence of this variant in the general population could not be determined. This residue is not conserved in mammals or lower organisms and computational analyses (PolyPhen-2, SIFT, AlignGVGD, BLOSUM, MutationTaster) do not suggest a high likelihood of impact to the protein. However, this information is not predictive enough to rule out pathogenicity. In summary, based on the above information, the clinical significance of this variant cannot be determined with certainty at this time. This variant is classified as a variant of unknown significance.

Foulkes Cancer Genetics LDI, Lady Davis Institute for Medical Research
Classification: Uncertain significance for Breast and/or ovarian cancer. Review status: no assertion criteria provided. Collection method: clinical testing. Allele origin: germline. Study: The Canadian Open Genetics Repository (COGR). Not counted in ClinVar's aggregate classification.

Literature cited by the submitters: PubMed 31131967 (cited by 3 submitters); PubMed 15004537 (cited by Quest Diagnostics Nichols Institute San Juan Capistrano and Women's Health and Genetics/Laboratory Corporation of America, LabCorp); PubMed 30765603 (cited by Quest Diagnostics Nichols Institute San Juan Capistrano); PubMed 28781887 (cited by 4 submitters); PubMed 16905680 (cited by 3 submitters); PubMed 16267036 (cited by 3 submitters); PubMed 8531968 (cited by 4 submitters); PubMed 33471991 (cited by Quest Diagnostics Nichols Institute San Juan Capistrano); PubMed 15385441 (cited by Women's Health and Genetics/Laboratory Corporation of America, LabCorp); PubMed 26206375 (cited by Women's Health and Genetics/Laboratory Corporation of America, LabCorp).